The following is an entry in ClinVar:

NM_000395.3(CSF2RB):c.184A>C (p.Ile62Leu)

Gene: CSF2RB (colony stimulating factor 2 receptor subunit beta; plus strand). Cytogenetic location: 22q12.3.
Variant type: single nucleotide variant.
Coding change: c.184A>C on transcript NM_000395.3 (MANE Select); coding-DNA position 184, A replaced by C.
Protein change: p.Ile62Leu; replaces isoleucine 62 with leucine.
Molecular consequence: missense variant.
Genome position (GRCh38, 1-based): chr22:36,923,351, A>C. VCF-style: chr22-36923351-A-C. GRCh37 (hg19) VCF-style: chr22-37319393-A-C.
Other names: c.184A>C, p.Ile62Leu (NM_001410827.1); short protein forms I62L.
Identifiers: ClinVar variation 4773770 (VCV004773770.1).

ClinVar aggregate classification (germline): Uncertain significance (1 of 4 stars; one submission).

Submission:

Labcorp Genetics (formerly Invitae), Labcorp
Classification: Uncertain significance. Last evaluated: 2025-04-07. Review status: criteria provided, single submitter. Criteria: Invitae Variant Classification Sherloc (09022015). Collection method: clinical testing. Allele origin: germline.
Comment: This sequence change replaces isoleucine, which is neutral and non-polar, with leucine, which is neutral and non-polar, at codon 62 of the CSF2RB protein (p.Ile62Leu). This variant is not present in population databases (gnomAD no frequency). This variant has not been reported in the literature in individuals affected with CSF2RB-related conditions. Invitae Evidence Modeling of protein sequence and biophysical properties (such as structural, functional, and spatial information, amino acid conservation, physicochemical variation, residue mobility, and thermodynamic stability) indicates that this missense variant is not expected to disrupt CSF2RB protein function with a negative predictive value of 80%. In summary, the available evidence is currently insufficient to determine the role of this variant in disease. Therefore, it has been classified as a Variant of Uncertain Significance.